The following is an entry in ClinVar:

ClinVar aggregate classification (germline): Pathogenic (1 of 4 stars; one submission).

Conditions:
Bloom syndrome (BLM). Also called: Bloom-Torre-Machacek syndrome. Identifiers: Orphanet 125, MedGen C0005859, MONDO:0008876, OMIM 210900.

Submission:

Labcorp Genetics (formerly Invitae), Labcorp
Classification: Pathogenic for Bloom syndrome. Last evaluated: 2025-08-11. Review status: criteria provided, single submitter. Criteria: Invitae Variant Classification Sherloc (09022015). Collection method: clinical testing. Allele origin: germline.
Comment: This sequence change creates a premature translational stop signal (p.Asp1053Valfs*25) in the BLM gene. It is expected to result in an absent or disrupted protein product. Loss-of-function variants in BLM are known to be pathogenic (PMID: 17407155). This variant is not present in population databases (gnomAD no frequency). This variant has not been reported in the literature in individuals affected with BLM-related conditions. For these reasons, this variant has been classified as Pathogenic.

Literature cited by the submitters: PubMed 17407155.

NM_000057.4(BLM):c.3158del (p.Asp1053fs)

Gene: BLM (BLM RecQ like helicase; plus strand). Cytogenetic location: 15q26.1.
Variant type: Deletion.
Coding change: c.3158del on transcript NM_000057.4 (MANE Select); coding-DNA position 3158, one base deleted (A; older notation c.3158delA).
Protein change: p.Asp1053fs; shifts the reading frame from aspartic acid 1053.
Molecular consequence: frameshift variant.
Genome position (GRCh38, 1-based): chr15:90,794,305, A deleted. VCF-style (leftmost placement, unchanged base first): chr15-90794304-GA-G. GRCh37 (hg19) VCF-style: chr15-91337534-GA-G.
Other names: c.3158del, p.Asp1053fs (NM_001287246.2, NM_001287247.2); c.2033del, p.Asp678fs (NM_001287248.2); short protein forms D678fs, D1053fs.
Identifiers: ClinVar variation 4725196 (VCV004725196.1).